The following is an entry in ClinVar:

ClinVar aggregate classification (germline): Uncertain significance (1 of 4 stars; one submission).

gnomAD v4.1: 10 of 1,613,992 alleles (0.00062%); highest among the groups gnomAD compares: South Asian, 0.0011%; no homozygotes.

Submission:

Labcorp Genetics (formerly Invitae), Labcorp
Classification: Uncertain significance. Last evaluated: 2024-11-08. Review status: criteria provided, single submitter. Criteria: Invitae Variant Classification Sherloc (09022015). Collection method: clinical testing. Allele origin: germline.
Comment: This sequence change replaces isoleucine, which is neutral and non-polar, with threonine, which is neutral and polar, at codon 11 of the IL21 protein (p.Ile11Thr). This variant is not present in population databases (gnomAD no frequency). This variant has not been reported in the literature in individuals affected with IL21-related conditions. An algorithm developed to predict the effect of missense changes on protein structure and function outputs the following: PolyPhen-2: "Benign". The threonine amino acid residue is found in multiple mammalian species, which suggests that this missense change does not adversely affect protein function. In summary, the available evidence is currently insufficient to determine the role of this variant in disease. Therefore, it has been classified as a Variant of Uncertain Significance.

NM_021803.4(IL21):c.32T>C (p.Ile11Thr)

Genes: IL21 (interleukin 21; minus strand), IL21-AS1 (IL21 antisense RNA 1; plus strand), LOC126807147 (CDK7 strongly-dependent group 2 enhancer GRCh37_chr4:123541308-123542507; plus strand). Cytogenetic location: 4q27.
Variant type: single nucleotide variant.
Coding change: c.32T>C on transcript NM_021803.4 (MANE Select); coding-DNA position 32, T replaced by C.
Protein change: p.Ile11Thr; replaces isoleucine 11 with threonine.
Molecular consequence: missense variant. On other transcripts: non-coding transcript variant (1).
Genome position (GRCh38, 1-based): chr4:122,620,980, A>G on the plus strand (T>C on the coding strand, the complement: IL21 is on the minus strand). VCF-style: chr4-122620980-A-G. GRCh37 (hg19) VCF-style: chr4-123542135-A-G.
Other names: c.32T>C, p.Ile11Thr (NM_001207006.3); short protein forms I11T.
Identifiers: ClinVar variation 3686800 (VCV003686800.2).
Genomic context (GRCh38, chr4:122,620,980, plus strand): 5'-CCTTGGGAGCTTGATTTGTGGACCAGTGTCCCCAAGAAGATGACCATCAGACAGATGACA[A>G]TCCTCTCCATGTTGCCAGGACTGGATCTCATAAGTACCAACAGTAGAGCTAGACCTTGGT-3'
Protein context (NP_068575.1, residues 1-21): MRSSPGNMER[Ile11Thr]VICLMVIFLG